The following is an entry in ClinVar:

Single allele

Genes: KRBA1 (KRAB-A domain containing 1; plus strand), ZNF467 (zinc finger protein 467; minus strand), ZNF746 (zinc finger protein 746; minus strand), ZNF777 (zinc finger protein 777; minus strand). Cytogenetic location: 7q36.1.
Variant type: Complex.
Identifiers: ClinVar variation 221341 (VCV000221341.2).

ClinVar aggregate classification (germline): Uncertain significance (0 of 4 stars; one submission).

Conditions:
Breast ductal adenocarcinoma. Also called: Ductal breast carcinoma; Breast cancer, invasive ductal. Identifiers: MedGen C1527349, MONDO:0005590.

Submission:

Next Generation Diagnostics, Novartis Institutes for BioMedical Research, Inc.
Classification: Uncertain significance for Breast ductal adenocarcinoma. Last evaluated: 2015-07-20. Review status: no assertion criteria provided. Collection method: research. Allele origin: somatic. Affected: yes.
Comment: Loss of heterozygosity